The following is an entry in ClinVar:

ClinVar aggregate classification (germline): Uncertain significance (1 of 4 stars; one submission).

Conditions:
Generalized epilepsy with febrile seizures plus, type 7 (GEFSP7). Also called: GEFS+, TYPE 7. Identifiers: Orphanet 36387, MedGen C2751778, MONDO:0013470, OMIM 613863.
Neuropathy, hereditary sensory and autonomic, type 2A (HSAN2A). Also called: WNK1-Related HSAN2 (HSAN2A); HSAN IIA; MORVAN DISEASE; NEUROPATHY, CONGENITAL SENSORY; NEUROPATHY, HEREDITARY SENSORY RADICULAR, AUTOSOMAL RECESSIVE; NEUROPATHY, HEREDITARY SENSORY, TYPE IIA. Identifiers: Orphanet 970, MedGen C2752089, MONDO:0024309, OMIM 201300.

Submission:

Labcorp Genetics (formerly Invitae), Labcorp
Classification: Uncertain significance for Neuropathy, hereditary sensory and autonomic, type 2A; Generalized epilepsy with febrile seizures plus, type 7. Last evaluated: 2021-06-01. Review status: criteria provided, single submitter. Criteria: Invitae Variant Classification Sherloc (09022015). Collection method: clinical testing. Allele origin: germline.
Comment: In summary, the available evidence is currently insufficient to determine the role of this variant in disease. Therefore, it has been classified as a Variant of Uncertain Significance. Algorithms developed to predict the effect of missense changes on protein structure and function are either unavailable or do not agree on the potential impact of this missense change (SIFT: "Deleterious"; PolyPhen-2: "Possibly Damaging"; Align-GVGD: "Class C0"). This variant has not been reported in the literature in individuals with SCN9A-related conditions. This variant is not present in population databases (ExAC no frequency). This sequence change replaces aspartic acid with tyrosine at codon 1018 of the SCN9A protein (p.Asp1018Tyr). The aspartic acid residue is moderately conserved and there is a large physicochemical difference between aspartic acid and tyrosine.

NM_001365536.1(SCN9A):c.3085G>T (p.Asp1029Tyr)

Genes: SCN1A-AS1 (SCN1A and SCN9A antisense RNA 1; plus strand), SCN9A (sodium voltage-gated channel alpha subunit 9; minus strand). Cytogenetic location: 2q24.3.
Variant type: single nucleotide variant.
Coding change: c.3085G>T on transcript NM_001365536.1 (MANE Select); coding-DNA position 3085, G replaced by T.
Protein change: p.Asp1029Tyr; replaces aspartic acid 1029 with tyrosine.
Molecular consequence: missense variant.
Genome position (GRCh38, 1-based): chr2:166,272,665, C>A on the plus strand (G>T on the coding strand, the complement: SCN9A is on the minus strand). VCF-style: chr2-166272665-C-A. GRCh37 (hg19) VCF-style: chr2-167129175-C-A.
Other names: c.3052G>T, p.Asp1018Tyr (NM_002977.4); short protein forms D1018Y, D1029Y.
Identifiers: ClinVar variation 1398826 (VCV001398826.8), dbSNP rs2106460952, ClinGen allele CA349073971.